The following is an entry in ClinVar:

NC_000023.11:g.(?_22178273)_(22178376_?)del

Gene: PHEX (phosphate regulating endopeptidase X-linked; plus strand). Cytogenetic location: Xp22.11.
Variant type: Deletion.
Identifiers: ClinVar variation 832616 (VCV000832616.1).

ClinVar aggregate classification (germline): Pathogenic (1 of 4 stars; one submission).

Submission:

Labcorp Genetics (formerly Invitae), Labcorp
Classification: Pathogenic. Last evaluated: 2019-11-11. Review status: criteria provided, single submitter. Criteria: Invitae Variant Classification Sherloc (09022015). Collection method: clinical testing. Allele origin: germline.
Comment: This variant is an out-of-frame deletion of the genomic region encompassing exon 14 of the PHEX gene. This is expected to create a premature translational stop signal and result in an absent or disrupted protein product. This variant has not been reported in the literature in individuals with PHEX-related conditions. Loss-of-function variants in PHEX are known to be pathogenic (PMID: 9097956, 9106524, 19219621). For these reasons, this variant has been classified as Pathogenic.